The following is an entry in ClinVar:

ClinVar aggregate classification (germline): Benign. Review status: criteria provided, multiple submitters, no conflicts (2 of 4 stars). 2 submissions from 2 submitters: Benign (2). Last evaluated 2018-01-12.

Conditions:
Ataxia-telangiectasia syndrome (AT). Also called: Ataxia telangiectasia (A-T); Cerebello-oculocutaneous telangiectasia; Immunodeficiency with ataxia telangiectasia; LOUIS-BAR SYNDROME; AT, COMPLEMENTATION GROUP C; ATAXIA-TELANGIECTASIA, FRESNO VARIANT. Identifiers: Orphanet 100, MedGen C0004135, MONDO:0008840, OMIM 208900.

Allele frequency attached by ClinVar (database versions not stated): TOPMed 0.51320; 1000 Genomes Project 0.51837; gnomAD 0.51711; 1000 Genomes Project 30x 0.51780.
gnomAD v4.1: 89,533 of 171,628 alleles (52%); highest among the groups gnomAD compares: Middle Eastern, 71%; 24,383 homozygotes.

Submissions (2):

Illumina Laboratory Services, Illumina
Classification: Benign for Ataxia-telangiectasia syndrome. Last evaluated: 2018-01-12. Review status: criteria provided, single submitter. Criteria: ICSL Variant Classification Criteria 13 December 2019. Collection method: clinical testing. Allele origin: germline.
Comment: This variant was observed in the ICSL laboratory as part of a predisposition screen in an ostensibly healthy population. It had not been previously curated by ICSL or reported in the Human Gene Mutation Database (HGMD: prior to June 1st, 2018), and was therefore a candidate for classification through an automated scoring system. Utilizing variant allele frequency, disease prevalence and penetrance estimates, and inheritance mode, an automated score was calculated to assess if this variant is too frequent to cause the disease. Based on the score and internal cut-off values, a variant classified as benign is not then subjected to further curation. The score for this variant resulted in a classification of benign for this disease.

Breakthrough Genomics
Classification: Benign. Review status: criteria provided, single submitter. Criteria: ACMG Guidelines, 2015. Collection method: not provided. Allele origin: germline. Inheritance: Autosomal recessive inheritance. Affected: yes.

NM_000051.4(ATM):c.*548G>T

Genes: C11orf65 (chromosome 11 open reading frame 65; minus strand), ATM (ATM serine/threonine kinase; plus strand). Cytogenetic location: 11q22.3.
Variant type: single nucleotide variant.
Coding change: c.*548G>T on transcript NM_000051.4 (MANE Select); 548 bases downstream of the stop codon, G replaced by T.
Molecular consequence: 3 prime UTR variant. On other transcripts: intron variant (2).
Genome position (GRCh38, 1-based): chr11:108,366,056, G>T. VCF-style: chr11-108366056-G-T. GRCh37 (hg19) VCF-style: chr11-108236783-G-T.
Other names: c.*548G>T (NM_001351834.2); c.640+19864C>A (NM_001330368.2); c.694+19864C>A (NM_001351110.2).
Identifiers: ClinVar variation 302265 (VCV000302265.8), dbSNP rs227092, ClinGen allele CA10637520.